The following is an entry in ClinVar:

NM_031935.3(HMCN1):c.6295C>T (p.Arg2099Ter)

Gene: HMCN1 (hemicentin 1; plus strand). Cytogenetic location: 1q31.1.
Variant type: single nucleotide variant.
Coding change: c.6295C>T on transcript NM_031935.3 (MANE Select); coding-DNA position 6295, C replaced by T.
Protein change: p.Arg2099Ter; replaces arginine 2099 with a stop codon.
Molecular consequence: nonsense.
Genome position (GRCh38, 1-based): chr1:186,041,127, C>T. VCF-style: chr1-186041127-C-T. GRCh37 (hg19) VCF-style: chr1-186010259-C-T.
Other names: short protein forms R2099*.
Identifiers: ClinVar variation 100881 (VCV000100881.2), dbSNP rs483352758, ClinGen allele CA229189.

ClinVar aggregate classification (germline): Uncertain significance. Review status: no assertion criteria provided (0 of 4 stars). 2 submissions from 1 submitter: Uncertain significance (1). 1 of the submissions does not count toward it.

Allele frequency attached by ClinVar (database versions not stated): TOPMed below 0.00001; ExAC 0.00001; gnomAD exomes 0.00001.
gnomAD v4.1: 9 of 1,612,138 alleles (0.00056%); highest among the groups gnomAD compares: South Asian, 0.0011%; no homozygotes.

Submissions (2):

Richard Lifton Laboratory, Yale University School of Medicine
Classification: Uncertain significance. Review status: no assertion criteria provided. Collection method: not provided. Allele origin: somatic.
Comment: HMCN1:p.R2099*
ClinVar note: Converted during submission from unknown to Uncertain significance.

Richard Lifton Laboratory, Yale University School of Medicine
Classification: Uncertain significance. Review status: flagged submission. Collection method: not provided. Allele origin: somatic. Not counted in ClinVar's aggregate classification.
ClinVar note: Converted during submission from unknown to Uncertain significance.
ClinVar note: Reason: This record appears to be redundant with a more recent record from the same submitter.
ClinVar note: Notes: SCV000120106 appears to be redundant with SCV000155210.